The following is an entry in ClinVar:

ClinVar aggregate classification (germline): Uncertain significance. Review status: criteria provided, multiple submitters, no conflicts (2 of 4 stars). 3 submissions from 3 submitters: Uncertain significance (2). 1 of the submissions does not count toward it. Last evaluated 2023-05-01.

Conditions:
Intellectual disability. Also called: intellectual disabilities; Intellectual developmental disorder; Intellectual functioning disability. Identifiers: MedGen C3714756, MeSH D008607, MONDO:0001071, HP:0001249.
Neuronal ceroid lipofuscinosis. Also called: Neuronal Ceroid Lipofuscinoses. Identifiers: Orphanet 216, Orphanet 79263, MedGen C0027877, MONDO:0016295. Disease mechanism: loss of function.

Submissions (3):

Women's Health and Genetics/Laboratory Corporation of America, LabCorp
Classification: Uncertain significance. Last evaluated: 2023-05-01. Review status: criteria provided, single submitter. Criteria: LabCorp Variant Classification Summary - May 2015. Collection method: clinical testing. Allele origin: germline.
Comment: Variant summary: CLN3 c.443_445delTGG (p.Val148del) results in an in-frame deletion that is predicted to remove one amino acid from the encoded protein. The variant allele was found at a frequency of 1.6e-05 in 251254 control chromosomes. The available data on variant occurrences in the general population are insufficient to allow any conclusion about variant significance. c.443_445delTGG has been reported in the literature in at least one individual affected with Retinitis Pigmentosa (Smirnov_2021). These data do not allow any conclusion about variant significance. To our knowledge, no experimental evidence demonstrating an impact on protein function has been reported. The following publication have been ascertained in the context of this evaluation (PMID: 33507216). Two clinical diagnostic laboratories have submitted clinical-significance assessments for this variant to ClinVar after 2014 without evidence for independent evaluation. One laboratory classified the variant as likely benign, and one laboratory classified the variant as uncertain significance. Based on the evidence outlined above, the variant was classified as uncertain significance.

Labcorp Genetics (formerly Invitae), Labcorp
Classification: Uncertain significance for Neuronal ceroid lipofuscinosis. Last evaluated: 2022-08-23. Review status: criteria provided, single submitter. Criteria: Invitae Variant Classification Sherloc (09022015). Collection method: clinical testing. Allele origin: germline.
Comment: This variant, c.443_445del, results in the deletion of 1 amino acid(s) of the CLN3 protein (p.Val148del), but otherwise preserves the integrity of the reading frame. This variant is present in population databases (rs752130042, gnomAD 0.003%). This variant has been observed in individual(s) with clinical features of retinitis pigmentosa (PMID: 33507216). ClinVar contains an entry for this variant (Variation ID: 975365). Experimental studies and prediction algorithms are not available or were not evaluated, and the functional significance of this variant is currently unknown. In summary, the available evidence is currently insufficient to determine the role of this variant in disease. Therefore, it has been classified as a Variant of Uncertain Significance.

Centre de Biologie Pathologie Génétique, Centre Hospitalier Universitaire de Lille
Classification: Likely benign for Intellectual disability. Last evaluated: 2019-01-01. Review status: no assertion criteria provided. Collection method: clinical testing. Allele origin: inherited. Affected: yes. Not counted in ClinVar's aggregate classification.

Literature cited by the submitters: PubMed 33507216 (cited by Women's Health and Genetics/Laboratory Corporation of America, LabCorp and Labcorp Genetics (formerly Invitae), Labcorp).

NM_001042432.2(CLN3):c.443_445del (p.Val148del)

Gene: CLN3 (CLN3 lysosomal/endosomal transmembrane protein, battenin; minus strand). Cytogenetic location: 16p12.1.
Variant type: Deletion.
Coding change: c.443_445del on transcript NM_001042432.2 (MANE Select); coding-DNA positions 443 to 445, 3 bases deleted (TGG; older notation c.443_445delTGG).
Protein change: p.Val148del; deletes valine 148.
Molecular consequence: inframe deletion.
Genome position (GRCh38, 1-based): chr16:28,487,471-28,487,473, CCA deleted on the plus strand (TGG on the coding strand, the reverse complement: CLN3 is on the minus strand); deleting any 3 consecutive bases within chr16:28,487,471-28,487,474 gives the same sequence; the c. name uses the placement nearest the transcript's 3' end. VCF-style (leftmost placement, unchanged base first): chr16-28487470-CCCA-C. GRCh37 (hg19) VCF-style: chr16-28498791-CCCA-C.
Other names: c.443_445delTGG (NM_001042432.1); c.443_445del, p.Val148del (NM_000086.2); c.371_373del, p.Val124del (NM_001286104.2); c.143_145del, p.Val48del (NM_001286105.2); c.209_211del, p.Val70del (NM_001286109.2); c.281_283del, p.Val94del (NM_001286110.2); short protein forms V124del, V148del, V48del, V70del, V94del.
Identifiers: ClinVar variation 975365 (VCV000975365.8), dbSNP rs752130042, ClinGen allele CA7980927.